The following is an entry in ClinVar:

NM_001374353.1(GLI2):c.252C>T (p.His84=)

Gene: GLI2 (GLI family zinc finger 2; plus strand). Cytogenetic location: 2q14.2.
Variant type: single nucleotide variant.
Coding change: c.252C>T on transcript NM_001374353.1 (MANE Select); coding-DNA position 252, C replaced by T.
Protein change: p.His84=; no amino-acid change (histidine 84 retained).
Molecular consequence: synonymous variant. On other transcripts: intron variant (1).
Genome position (GRCh38, 1-based): chr2:120,927,464, C>T. VCF-style: chr2-120927464-C-T. GRCh37 (hg19) VCF-style: chr2-121685040-C-T.
Other names: c.252C>T, p.His84= (NM_001371271.1, NM_005270.5); c.-121-23779C>T (NM_001374354.1).
Identifiers: ClinVar variation 330966 (VCV000330966.14), dbSNP rs201412339, ClinGen allele CA1851462.

ClinVar aggregate classification (germline): Likely benign. Review status: criteria provided, multiple submitters, no conflicts (2 of 4 stars). 3 submissions from 3 submitters: Likely benign (3). Last evaluated 2025-07-14.

Conditions:
Holoprosencephaly 9 (HPE9). Also called: HOLOPROSENCEPHALY WITH MICROPHTHALMIA AND FIRST BRANCHIAL ARCH ANOMALIES; PITUITARY ANOMALIES WITH HOLOPROSENCEPHALY-LIKE FEATURES. Identifiers: Orphanet 2162, MedGen C1835819, MONDO:0012563, OMIM 610829.
Postaxial polydactyly-anterior pituitary anomalies-facial dysmorphism syndrome. Also called: Culler-Jones syndrome. Identifiers: Orphanet 420584, MedGen C4014479, MONDO:0014369, OMIM 615849.

Allele frequency attached by ClinVar (database versions not stated): gnomAD exomes 0.00008; gnomAD 0.00009; ExAC 0.00011; TOPMed 0.00011; 1000 Genomes Project 30x 0.00047; 1000 Genomes Project 0.00060.
gnomAD v4.1: 195 of 1,601,922 alleles (0.012%); highest among the groups gnomAD compares: Middle Eastern, 0.05%; no homozygotes.

Submissions (3):

Labcorp Genetics (formerly Invitae), Labcorp
Classification: Likely benign for Postaxial polydactyly-anterior pituitary anomalies-facial dysmorphism syndrome; Holoprosencephaly 9. Last evaluated: 2025-07-14. Review status: criteria provided, single submitter. Criteria: Invitae Variant Classification Sherloc (09022015). Collection method: clinical testing. Allele origin: germline.

Blueprint Genetics
Classification: Likely benign. Last evaluated: 2023-03-31. Review status: criteria provided, single submitter. Criteria: ACMG Guidelines, 2015. Collection method: clinical testing. Allele origin: germline.

Illumina Laboratory Services, Illumina
Classification: Likely benign for Holoprosencephaly 9. Last evaluated: 2018-01-13. Review status: criteria provided, single submitter. Criteria: ICSL Variant Classification Criteria 13 December 2019. Collection method: clinical testing. Allele origin: germline.
Comment: This variant was observed in the ICSL laboratory as part of a predisposition screen in an ostensibly healthy population. It had not been previously curated by ICSL or reported in the Human Gene Mutation Database (HGMD: prior to June 1st, 2018), and was therefore a candidate for classification through an automated scoring system. Utilizing variant allele frequency, disease prevalence and penetrance estimates, and inheritance mode, an automated score was calculated to assess if this variant is too frequent to cause the disease. Based on the score and internal cut-off values, a variant classified as likely benign is not then subjected to further curation. The score for this variant resulted in a classification of likely benign for this disease.